The following is an entry in ClinVar:

NM_007294.4(BRCA1):c.3754C>G (p.Leu1252Val)

Genes: BRCA1 (BRCA1 DNA repair associated; minus strand), LOC126862571 (BRD4-independent group 4 enhancer GRCh37_chr17:41243136-41244335; plus strand). Cytogenetic location: 17q21.31.
Variant type: single nucleotide variant.
Coding change: c.3754C>G on transcript NM_007294.4 (MANE Select); coding-DNA position 3754, C replaced by G.
Protein change: p.Leu1252Val; replaces leucine 1252 with valine.
Molecular consequence: missense variant. On other transcripts: intron variant (135).
Genome position (GRCh38, 1-based): chr17:43,091,777, G>C on the plus strand (C>G on the coding strand, the complement: BRCA1 is on the minus strand). VCF-style: chr17-43091777-G-C. GRCh37 (hg19) VCF-style: chr17-41243794-G-C.
Other names: c.3541C>G, p.Leu1181Val (NM_001407571.1, NM_001407853.1, NM_001407894.1 and 9 more transcripts); c.3754C>G, p.Leu1252Val (NM_001407581.1, NM_001407582.1, NM_001407583.1 and 30 more transcripts); c.3751C>G, p.Leu1251Val (NM_001407587.1, NM_001407590.1, NM_001407591.1 and 22 more transcripts); c.3745C>G, p.Leu1249Val (NM_001407646.1, NM_001407647.1); c.3631C>G, p.Leu1211Val (NM_001407648.1, NM_001407664.1, NM_001407665.1 and 19 more transcripts); c.3628C>G, p.Leu1210Val (NM_001407649.1, NM_001407670.1, NM_001407671.1 and 11 more transcripts); c.3676C>G, p.Leu1226Val (NM_001407653.1, NM_001407654.1, NM_001407655.1 and 4 more transcripts); c.3673C>G, p.Leu1225Val (NM_001407659.1, NM_001407660.1, NM_001407661.1 and 1 more transcripts); and 41 more; short protein forms L1163V, L1185V, L1204V, L1210V, L1211V, L1252V, L384V, L1141V.
Identifiers: ClinVar variation 1734589 (VCV001734589.5), dbSNP rs966550650, ClinGen allele CA10594464.

ClinVar aggregate classification (germline): Conflicting classifications of pathogenicity. Review status: criteria provided, conflicting classifications (1 of 4 stars). 3 submissions from 3 submitters: Uncertain significance (2); Likely benign (1). Last evaluated 2024-08-06.

Conditions:
BRCA1-related cancer predisposition. Identifiers: MedGen CN377757, MONDO:0700268.
Hereditary cancer-predisposing syndrome. Also called: Neoplastic Syndromes, Hereditary; Tumor predisposition; Hereditary Cancer Syndrome; Hereditary neoplastic syndrome. Identifiers: Orphanet 140162, MedGen C0027672, MeSH D009386, MONDO:0015356.

Submissions (3):

All of Us Research Program, National Institutes of Health
Classification: Uncertain significance for BRCA1-related cancer predisposition. Last evaluated: 2024-08-06. Review status: criteria provided, single submitter. Criteria: ACMG Guidelines, 2015. Collection method: clinical testing. Allele origin: germline. Inheritance: Autosomal dominant inheritance. Observed: 1 variant allele, 1 heterozygote.
Comment: This missense variant replaces leucine with valine at codon 1252 of the BRCA1 protein. Computational prediction suggests that this variant may have deleterious impact on protein structure and function (internally defined REVEL score threshold >= 0.7, PMID: 27666373). To our knowledge, functional studies have not been reported for this variant. This variant has not been reported in individuals affected with hereditary cancer in the literature. This variant has not been identified in the general population by the Genome Aggregation Database (gnomAD). The available evidence is insufficient to determine the role of this variant in disease conclusively. Therefore, this variant is classified as a Variant of Uncertain Significance.

This study involves interpretation of variants in research participants for the purpose of population health screening. Participant phenotype was not available at the time of variant classification. Additional details can be found in publication PMID: 35346344, PMCID: PMC8962531

Ambry Genetics
Classification: Uncertain significance for Hereditary cancer-predisposing syndrome. Last evaluated: 2023-11-14. Review status: criteria provided, single submitter. Criteria: Ambry Variant Classification Scheme 2023. Collection method: clinical testing. Allele origin: germline.
Comment: The p.L1252V variant (also known as c.3754C>G), located in coding exon 9 of the BRCA1 gene, results from a C to G substitution at nucleotide position 3754. The leucine at codon 1252 is replaced by valine, an amino acid with highly similar properties. This amino acid position is not well conserved in available vertebrate species. In addition, this alteration is predicted to be tolerated by in silico analysis. Since supporting evidence is limited at this time, the clinical significance of this alteration remains unclear.

University of Washington Department of Laboratory Medicine, University of Washington
Classification: Likely benign for Hereditary cancer-predisposing syndrome. Last evaluated: 2023-03-23. Review status: criteria provided, single submitter. Criteria: Dines et al. (Genet Med. 2020). Collection method: curation. Allele origin: germline.
Comment: Missense variant in a coldspot region where missense variants are very unlikely to be pathogenic (PMID:31911673).

BRCA1 coldspot (exon 11 using historical exon numbering). Reclassification based on statistical prior probability